The following is an entry in ClinVar:

NM_004006.3(DMD):c.1956del (p.Asp652fs)

Gene: DMD (dystrophin; minus strand). Cytogenetic location: Xp21.1.
Variant type: Deletion.
Coding change: c.1956del on transcript NM_004006.3 (MANE Select); coding-DNA position 1956, one base deleted (T; older notation c.1956delT).
Protein change: p.Asp652fs; shifts the reading frame from aspartic acid 652.
Molecular consequence: frameshift variant.
Genome position (GRCh38, 1-based): chrX:32,565,738, A deleted on the plus strand (T on the coding strand, the reverse complement: DMD is on the minus strand). VCF-style (leftmost placement, unchanged base first): chrX-32565737-TA-T. GRCh37 (hg19) VCF-style: chrX-32583854-TA-T.
Other names: c.1956delT (NM_004006.2); c.1932del, p.Asp644fs (NM_000109.4); c.1944del, p.Asp648fs (NM_004009.3); c.1587del, p.Asp529fs (NM_004010.3); short protein forms D644fs, D648fs, D652fs, D529fs.
Identifiers: ClinVar variation 287457 (VCV000287457.8), dbSNP rs886043640, ClinGen allele CA10605771.

ClinVar aggregate classification (germline): Pathogenic/Likely pathogenic. Review status: criteria provided, multiple submitters, no conflicts (2 of 4 stars). 4 submissions from 4 submitters: Pathogenic (2); Likely pathogenic (1). 1 of the submissions does not count toward it. Last evaluated 2024-08-05.

Conditions:
Cardiomyopathy (CMYO). Also called: Cardiomyopathies. Identifiers: Orphanet 167848, MedGen C0878544, MONDO:0004994, HP:0001638. Inheritance: Various modes of inheritance.
Becker muscular dystrophy (BMD). Also called: MUSCULAR DYSTROPHY, PSEUDOHYPERTROPHIC PROGRESSIVE, BECKER TYPE; Becker Muscular Dystrophy (BMD). Identifiers: Orphanet 98895, MedGen C0917713, MONDO:0010311, OMIM 300376.
Duchenne muscular dystrophy (DMD). Also called: Duchenne Muscular Dystrophy (DMD); MUSCULAR DYSTROPHY, PSEUDOHYPERTROPHIC PROGRESSIVE, DUCHENNE TYPE. Identifiers: Orphanet 98896, MedGen C0013264, MONDO:0010679, OMIM 310200.
Dystrophin deficiency.
Neuromuscular disease caused by qualitative or quantitative defects of dystrophin. Also called: Qualitative or quantitative defects of dystrophin. Identifiers: Orphanet 207085, MedGen C5679787, MONDO:0016147.

Submissions (4):

Labcorp Genetics (formerly Invitae), Labcorp
Classification: Pathogenic for Duchenne muscular dystrophy. Last evaluated: 2024-08-05. Review status: criteria provided, single submitter. Criteria: Invitae Variant Classification Sherloc (09022015). Collection method: clinical testing. Allele origin: germline.
Comment: This sequence change creates a premature translational stop signal (p.Asp652Glufs*3) in the DMD gene. It is expected to result in an absent or disrupted protein product. Loss-of-function variants in DMD are known to be pathogenic (PMID: 16770791, 25007885). This variant is not present in population databases (gnomAD no frequency). This variant has not been reported in the literature in individuals affected with DMD-related conditions. ClinVar contains an entry for this variant (Variation ID: 287457). For these reasons, this variant has been classified as Pathogenic.

Women's Health and Genetics/Laboratory Corporation of America, LabCorp
Classification: Likely pathogenic for Neuromuscular disease caused by qualitative or quantitative defects of dystrophin. Last evaluated: 2021-05-01. Review status: criteria provided, single submitter. Criteria: LabCorp Variant Classification Summary - May 2015. Collection method: clinical testing. Allele origin: germline.
Comment: Variant summary: DMD c.1956delT (p.Asp652GlufsX3) results in a premature termination codon, predicted to cause a truncation of the encoded protein or absence of the protein due to nonsense mediated decay, which are commonly known mechanisms for disease. Truncations downstream of this position have been classified as pathogenic by our laboratory. The variant was absent in 183151 control chromosomes. To our knowledge, no occurrence of c.1956delT in individuals affected with Dystrophinopathies and no experimental evidence demonstrating its impact on protein function have been reported. One clinical diagnostic laboratory has submitted clinical-significance assessments for this variant to ClinVar after 2014 without evidence for independent evaluation and classified the variant as pathogenic. Based on the evidence outlined above, the variant was classified as likely pathogenic.

Eurofins Ntd Llc (ga)
Classification: Pathogenic. Last evaluated: 2016-05-05. Review status: criteria provided, single submitter. Criteria: EGL Classification Definitions 2015. Collection method: clinical testing. Allele origin: germline. Observed: 1 variant allele, 1 hemizygote.

Natera, Inc.
Classification: Likely pathogenic for Becker muscular dystrophy; Cardiomyopathy; Duchenne muscular dystrophy; Dystrophin deficiency. Last evaluated: 2017-03-16. Review status: no assertion criteria provided. Collection method: clinical testing. Allele origin: germline. Not counted in ClinVar's aggregate classification.

Literature cited by the submitters: PubMed 16770791 (cited by Labcorp Genetics (formerly Invitae), Labcorp); PubMed 25007885 (cited by Labcorp Genetics (formerly Invitae), Labcorp).